The following is an entry in ClinVar:

NM_002838.5(PTPRC):c.154A>G (p.Thr52Ala)

Gene: PTPRC (protein tyrosine phosphatase receptor type C; plus strand). Cytogenetic location: 1q31.3.
Variant type: single nucleotide variant.
Coding change: c.154A>G on transcript NM_002838.5 (MANE Select); coding-DNA position 154, A replaced by G.
Protein change: p.Thr52Ala; replaces threonine 52 with alanine.
Molecular consequence: missense variant. On other transcripts: intron variant (1).
Genome position (GRCh38, 1-based): chr1:198,696,765, A>G. VCF-style: chr1-198696765-A-G. GRCh37 (hg19) VCF-style: chr1-198665894-A-G.
Other names: c.148A>G (NM_002838.3); c.100+4392A>G (NM_080921.4); short protein forms T52A.
Identifiers: ClinVar variation 533075 (VCV000533075.37), dbSNP rs114764326, ClinGen allele CA1314421.

ClinVar aggregate classification (germline): Benign/Likely benign. Review status: criteria provided, multiple submitters, no conflicts (2 of 4 stars). 5 submissions from 5 submitters: Benign (2); Likely benign (3). Last evaluated 2026-01-11.

Conditions:
Immunodeficiency 104. Also called: Severe Combined Immune Deficiency, Autosomal Recessive, TCell -Negative, B Cell-Positive, NK Cell-Positive, IL7R-Related; SCID, AUTOSOMAL RECESSIVE, T CELL-NEGATIVE, B CELL-POSITIVE, NK CELL-POSITIVE; Severe combined immunodeficiency, autosomal recessive, T cell-negative, B cell-positive, NK cell-positive; IMMUNODEFICIENCY 104, SEVERE COMBINED. Identifiers: MedGen C5676890, MONDO:0012163, OMIM 608971.
Inborn genetic diseases. Identifiers: MedGen C0950123, MeSH D030342.

Allele frequency attached by ClinVar (database versions not stated): gnomAD exomes 0.00047; ExAC 0.00061; gnomAD 0.00172 and 0.00175; TOPMed 0.00186; 1000 Genomes Project 30x 0.00187; ESP Exome Variant Server 0.00231; 1000 Genomes Project 0.00240.
gnomAD v4.1: 495 of 1,613,972 alleles (0.031%); highest among the groups gnomAD compares: African/African-American, 0.58%; 2 homozygotes.

Submissions (5):

Labcorp Genetics (formerly Invitae), Labcorp
Classification: Benign for Immunodeficiency 104. Last evaluated: 2026-01-11. Review status: criteria provided, single submitter. Criteria: Invitae Variant Classification Sherloc (09022015). Collection method: clinical testing. Allele origin: germline.

Ambry Genetics
Classification: Likely benign for Inborn genetic diseases. Last evaluated: 2025-10-15. Review status: criteria provided, single submitter. Criteria: Ambry Variant Classification Scheme 2023. Collection method: clinical testing. Allele origin: germline.

Blueprint Genetics
Classification: Likely benign. Last evaluated: 2024-11-22. Review status: criteria provided, single submitter. Criteria: ACMG Guidelines, 2015. Collection method: clinical testing. Allele origin: germline.

CeGaT Center for Human Genetics Tuebingen
Classification: Likely benign. Last evaluated: 2022-06-01. Review status: criteria provided, single submitter. Criteria: CeGaT Center For Human Genetics Tuebingen Variant Classification Criteria Version 2. Collection method: clinical testing. Allele origin: germline. Affected: yes. Observed: 1 variant allele.
Comment: PTPRC: BP4, BS2

Breakthrough Genomics
Classification: Benign. Review status: criteria provided, single submitter. Criteria: ACMG Guidelines, 2015. Collection method: not provided. Allele origin: germline. Inheritance: Autosomal recessive inheritance. Affected: yes.